The following is an entry in ClinVar:

ClinVar aggregate classification (germline): Pathogenic/Likely pathogenic. Review status: criteria provided, multiple submitters, no conflicts (2 of 4 stars). 4 submissions from 4 submitters: Pathogenic (3); Likely pathogenic (1). Last evaluated 2025-02-05.

Conditions:
Cone-rod dystrophy 2 (CORD2). Also called: CONE-ROD RETINAL DYSTROPHY; Cone-rod retinal dystrophy 2. Identifiers: Orphanet 1872, MedGen C3489532, MONDO:0007362, OMIM 120970.
Retinitis pigmentosa (RP). Identifiers: Orphanet 791, MedGen C0035334, MeSH D012174, MONDO:0019200, OMIM 268000. Inheritance: Autosomal dominant, autosomal recessive and X linked inheritance.
CRX-related disorders.
Leber congenital amaurosis 7 (LCA7). Identifiers: Orphanet 65, MedGen C3151192, MONDO:0013449, OMIM 613829.

Allele frequency attached by ClinVar (database versions not stated): TOPMed below 0.00001.
gnomAD v4.1: 3 of 1,613,566 alleles (0.00019%); highest among the groups gnomAD compares: South Asian, 0.0011%; no homozygotes.

Submissions (4):

SingHealth Duke-NUS Institute of Precision Medicine
Classification: Likely pathogenic for Cone-rod dystrophy 2. Last evaluated: 2025-02-05. Review status: criteria provided, single submitter. Criteria: PRISM ACMG Classification Criteria. Collection method: clinical testing. Allele origin: germline. Affected: yes.
Comment: Null variant is predicted to remove more than 10% of protein in a gene where LOF is a known mechanism for pathogenicity (PVS1). Variant allele frequency is below 0.000001 in gnomAD exomes and not found in genomes (PM2)

Labcorp Genetics (formerly Invitae), Labcorp
Classification: Pathogenic for Cone-rod dystrophy 2; Leber congenital amaurosis 7. Last evaluated: 2023-09-05. Review status: criteria provided, single submitter. Criteria: Invitae Variant Classification Sherloc (09022015). Collection method: clinical testing. Allele origin: germline.
Comment: This sequence change creates a premature translational stop signal (p.Arg98*) in the CRX gene. While this is not anticipated to result in nonsense mediated decay, it is expected to disrupt the last 202 amino acid(s) of the CRX protein. This variant is not present in population databases (gnomAD no frequency). This premature translational stop signal has been observed in individual(s) with retinitis pigmentosa (PMID: 30460480). ClinVar contains an entry for this variant (Variation ID: 978221). Algorithms developed to predict the effect of variants on protein structure and function are not available or were not evaluated for this variant. Experimental studies have shown that this premature translational stop signal affects CRX function (PMID: 30460480). Algorithms developed to predict the effect of sequence changes on RNA splicing suggest that this variant may disrupt the consensus splice site. This variant disrupts a region of the CRX protein in which other variant(s) (p.Tyr258*) have been determined to be pathogenic (PMID: 22968130, 25270190). This suggests that this is a clinically significant region of the protein, and that variants that disrupt it are likely to be disease-causing. For these reasons, this variant has been classified as Pathogenic.

Blueprint Genetics
Classification: Pathogenic for CRX-related disorders. Last evaluated: 2023-08-30. Review status: criteria provided, single submitter. Criteria: ACMG Guidelines, 2015. Collection method: clinical testing. Allele origin: germline. Affected: yes. Observed: 5 variant alleles.

Medical Genetics Laboratory, West China Hospital, Sichuan University
Classification: Pathogenic for Retinitis pigmentosa. Review status: criteria provided, single submitter. Criteria: ACMG Guidelines, 2015. Collection method: in vitro. Allele origin: not applicable. Inheritance: Autosomal dominant inheritance.
Comment: The nonsense variant was supposed to result in a truncated CRX protein with a destroyed homedomain, which is essential for CRX translation. The in vitro expression assay showed that the potential truncated protein was not detected,indicating that the variant may cause a loss-of-function mutation of CRX gene.

Literature cited by the submitters: PubMed 30460480 (cited by Labcorp Genetics (formerly Invitae), Labcorp and Medical Genetics Laboratory, West China Hospital, Sichuan University); PubMed 22968130 (cited by Labcorp Genetics (formerly Invitae), Labcorp); PubMed 25270190 (cited by Labcorp Genetics (formerly Invitae), Labcorp).

NM_000554.6(CRX):c.292C>T (p.Arg98Ter)

Gene: CRX (cone-rod homeobox; plus strand). Cytogenetic location: 19q13.33.
Variant type: single nucleotide variant.
Coding change: c.292C>T on transcript NM_000554.6 (MANE Select); coding-DNA position 292, C replaced by T.
Protein change: p.Arg98Ter; replaces arginine 98 with a stop codon.
Molecular consequence: nonsense.
Genome position (GRCh38, 1-based): chr19:47,839,359, C>T. VCF-style: chr19-47839359-C-T. GRCh37 (hg19) VCF-style: chr19-48342616-C-T.
Other names: short protein forms R98*.
Identifiers: ClinVar variation 978221 (VCV000978221.12), dbSNP rs751018117, ClinGen allele CA406630343.